The following is an entry in ClinVar:

ClinVar aggregate classification (germline): Uncertain significance (1 of 4 stars; one submission).

Submission:

GeneDx
Classification: Uncertain significance. Last evaluated: 2026-02-03. Review status: criteria provided, single submitter. Criteria: GeneDx Variant Classification Process June 2021. Collection method: clinical testing. Allele origin: germline.
Comment: Not observed at significant frequency in large population cohorts (gnomAD); In silico analysis suggests that this missense variant does not alter protein structure/function; Has not been previously published as pathogenic or benign to our knowledge

NM_001394372.1(BICRA):c.2695C>G (p.Pro899Ala)

Gene: BICRA (BRD4 interacting chromatin remodeling complex associated protein; plus strand). Cytogenetic location: 19q13.33.
Variant type: single nucleotide variant.
Coding change: c.2695C>G on transcript NM_001394372.1 (MANE Select); coding-DNA position 2695, C replaced by G.
Protein change: p.Pro899Ala; replaces proline 899 with alanine.
Molecular consequence: missense variant.
Genome position (GRCh38, 1-based): chr19:47,694,526, C>G. VCF-style: chr19-47694526-C-G. GRCh37 (hg19) VCF-style: chr19-48197783-C-G.
Other names: c.2695C>G, p.Pro899Ala (NM_015711.3); short protein forms P899A.
Identifiers: ClinVar variation 4975927 (VCV004975927.1).